The following is an entry in ClinVar:

NM_014698.3(TMEM63A):c.583del (p.Leu195fs)

Gene: TMEM63A (transmembrane protein 63A; minus strand). Cytogenetic location: 1q42.12.
Variant type: Deletion.
Coding change: c.583del on transcript NM_014698.3 (MANE Select); coding-DNA position 583, one base deleted (C; older notation c.583delC).
Protein change: p.Leu195fs; shifts the reading frame from leucine 195.
Molecular consequence: frameshift variant.
Genome position (GRCh38, 1-based): chr1:225,866,666, G deleted on the plus strand (C on the coding strand, the reverse complement: TMEM63A is on the minus strand). VCF-style (leftmost placement, unchanged base first): chr1-225866665-AG-A. GRCh37 (hg19) VCF-style: chr1-226054365-AG-A.
Other names: c.583delC (NM_014698.3); short protein forms L195fs.
Identifiers: ClinVar variation 3900601 (VCV003900601.1).

ClinVar aggregate classification (germline): Likely pathogenic (1 of 4 stars; one submission).

Conditions:
Leukodystrophy, hypomyelinating, 19, transient infantile. Identifiers: MedGen C5231463, MONDO:0032871, OMIM 618688.

Submission:

Pediatric Department, Peking University First Hospital
Classification: Likely pathogenic for Leukodystrophy, hypomyelinating, 19, transient infantile. Last evaluated: 2025-02-19. Review status: criteria provided, single submitter. Criteria: ACMG Guidelines, 2015. Collection method: research. Allele origin: maternal. Affected: yes.
Comment: The NM_014698.3:c.583delC, is a frameshift variant in TMEM63A which was predicted to result in a premature stop codon at position 227, and likely results in an absent or disrupted protein product (PVS1). The variant was absent in healthy people according to several database such as gnomAD, Exome, 1000 Genomes and ExAC (PM2). In summary, the variant was classified as likely pathogenic (PVS1, PM2).